The following is an entry in ClinVar:

ClinVar aggregate classification (germline): Likely benign (1 of 4 stars; one submission).

Allele frequency attached by ClinVar (database versions not stated): gnomAD 0.00009; gnomAD exomes 0.00009; ExAC 0.00013; TOPMed 0.00013.
gnomAD v4.1: 151 of 1,606,662 alleles (0.0094%); highest among the groups gnomAD compares: Middle Eastern, 0.033%; no homozygotes.

Submission:

CeGaT Center for Human Genetics Tuebingen
Classification: Likely benign. Last evaluated: 2022-07-01. Review status: criteria provided, single submitter. Criteria: CeGaT Center For Human Genetics Tuebingen Variant Classification Criteria Version 2. Collection method: clinical testing. Allele origin: germline. Affected: yes. Observed: 1 variant allele.
Comment: CSMD3: BP4, BS2

NM_198123.2(CSMD3):c.4452A>G (p.Glu1484=)

Gene: CSMD3 (CUB and Sushi multiple domains 3; minus strand). Cytogenetic location: 8q23.3.
Variant type: single nucleotide variant.
Coding change: c.4452A>G on transcript NM_198123.2 (MANE Select); coding-DNA position 4452, A replaced by G.
Protein change: p.Glu1484=; no amino-acid change (glutamic acid 1484 retained).
Molecular consequence: synonymous variant.
Genome position (GRCh38, 1-based): chr8:112,550,783, T>C on the plus strand (A>G on the coding strand, the complement: CSMD3 is on the minus strand). VCF-style: chr8-112550783-T-C. GRCh37 (hg19) VCF-style: chr8-113563012-T-C.
Other names: c.4062A>G, p.Glu1354= (NM_001363185.1); c.4140A>G, p.Glu1380= (NM_052900.3); c.4332A>G, p.Glu1444= (NM_198124.2).
Identifiers: ClinVar variation 2658761 (VCV002658761.24), dbSNP rs201144167, ClinGen allele CA4850148.